The following is an entry in ClinVar:

ClinVar aggregate classification (germline): Pathogenic (1 of 4 stars; one submission).

Submission:

Labcorp Genetics (formerly Invitae), Labcorp
Classification: Pathogenic. Last evaluated: 2023-06-21. Review status: criteria provided, single submitter. Criteria: Invitae Variant Classification Sherloc (09022015). Collection method: clinical testing. Allele origin: germline.
Comment: This sequence change creates a premature translational stop signal (p.Tyr95*) in the PRUNE1 gene. It is expected to result in an absent or disrupted protein product. Loss-of-function variants in PRUNE1 are known to be pathogenic (PMID: 26539891, 29797509). This variant is not present in population databases (gnomAD no frequency). This variant has not been reported in the literature in individuals affected with PRUNE1-related conditions. For these reasons, this variant has been classified as Pathogenic.

Literature cited by the submitters: PubMed 26539891; PubMed 29797509.

NM_021222.3(PRUNE1):c.285C>G (p.Tyr95Ter)

Gene: PRUNE1 (prune exopolyphosphatase 1; plus strand). Cytogenetic location: 1q21.3.
Variant type: single nucleotide variant.
Coding change: c.285C>G on transcript NM_021222.3 (MANE Select); coding-DNA position 285, C replaced by G.
Protein change: p.Tyr95Ter; replaces tyrosine 95 with a stop codon.
Molecular consequence: nonsense. On other transcripts: missense variant (1), intron variant (1).
Genome position (GRCh38, 1-based): chr1:151,018,619, C>G. VCF-style: chr1-151018619-C-G. GRCh37 (hg19) VCF-style: chr1-150991095-C-G.
Other names: c.285C>G, p.Tyr95Ter (NM_001303242.2); c.26C>G, p.Thr9Ser (NM_001303243.2); c.-212+715C>G (NM_001303229.2); short protein forms T9S, Y95*.
Identifiers: ClinVar variation 2721856 (VCV002721856.3), dbSNP rs1674240509, ClinGen allele CA341903527.
Genomic context (GRCh38, chr1:151,018,619, plus strand): 5'-GGTTCATATTCCAGAGAGTATCTTGATTTTTCGGGATGAGATTGACCTCCATGCATTATA[C>G]CAGGCTGGCCAACTCACCCTCATCCTTGTCGACCATCATATCTTATCCAAGTAAGCACAA-3'